The following is an entry in ClinVar:

ClinVar aggregate classification (germline): Conflicting classifications of pathogenicity. Review status: criteria provided, conflicting classifications (1 of 4 stars). 3 submissions from 3 submitters: Uncertain significance (2); Likely benign (1). Last evaluated 2024-11-13.

Conditions:
Focal segmental glomerulosclerosis 1 (FSGS1). Identifiers: Orphanet 656, MedGen C4551527, MONDO:0011303, OMIM 603278.

Allele frequency attached by ClinVar (database versions not stated): gnomAD 0.00001; TOPMed 0.00001; gnomAD exomes 0.00003; ExAC 0.00009.
gnomAD v4.1: 46 of 1,614,086 alleles (0.0028%); highest among the groups gnomAD compares: South Asian, 0.026%; no homozygotes.

Submissions (3):

Blueprint Genetics
Classification: Likely benign. Last evaluated: 2024-11-13. Review status: criteria provided, single submitter. Criteria: ACMG Guidelines, 2015. Collection method: clinical testing. Allele origin: germline.

Fulgent Genetics
Classification: Uncertain significance for Focal segmental glomerulosclerosis 1. Last evaluated: 2024-04-04. Review status: criteria provided, single submitter. Criteria: ACMG Guidelines, 2015. Collection method: clinical testing. Allele origin: germline.

Labcorp Genetics (formerly Invitae), Labcorp
Classification: Uncertain significance. Last evaluated: 2023-08-30. Review status: criteria provided, single submitter. Criteria: Invitae Variant Classification Sherloc (09022015). Collection method: clinical testing. Allele origin: germline.
Comment: This sequence change affects codon 191 of the ACTN4 mRNA. It is a 'silent' change, meaning that it does not change the encoded amino acid sequence of the ACTN4 protein. It affects a nucleotide within the consensus splice site. This variant is present in population databases (rs749612778, gnomAD 0.04%), and has an allele count higher than expected for a pathogenic variant. This variant has not been reported in the literature in individuals affected with ACTN4-related conditions. Algorithms developed to predict the effect of sequence changes on RNA splicing suggest that this variant is not likely to affect RNA splicing. In summary, the available evidence is currently insufficient to determine the role of this variant in disease. Therefore, it has been classified as a Variant of Uncertain Significance.

NM_004924.6(ACTN4):c.573C>T (p.Ser191=)

Gene: ACTN4 (actinin alpha 4; plus strand). Cytogenetic location: 19q13.2.
Variant type: single nucleotide variant.
Coding change: c.573C>T on transcript NM_004924.6 (MANE Select); coding-DNA position 573, C replaced by T.
Protein change: p.Ser191=; no amino-acid change (serine 191 retained).
Molecular consequence: synonymous variant.
Genome position (GRCh38, 1-based): chr19:38,708,117, C>T. VCF-style: chr19-38708117-C-T. GRCh37 (hg19) VCF-style: chr19-39198757-C-T.
Other names: c.573C>T, p.Ser191= (NM_001322033.2, NM_001411143.1).
Identifiers: ClinVar variation 2893157 (VCV002893157.5), dbSNP rs749612778, ClinGen allele CA9417324.